The following is an entry in ClinVar:

ClinVar aggregate classification (germline): Uncertain significance (1 of 4 stars; one submission).

gnomAD v4.1: 1 of 1,613,894 alleles (0.000062%); highest among the groups gnomAD compares: Non-Finnish European, 0.000085%; no homozygotes.

Submission:

Ambry Genetics
Classification: Uncertain significance. Last evaluated: 2024-06-08. Review status: criteria provided, single submitter. Criteria: Ambry Variant Classification Scheme 2023. Collection method: clinical testing. Allele origin: germline.
Comment: The p.L292V variant (also known as c.874C>G), located in coding exon 8 of the RAD54L gene, results from a C to G substitution at nucleotide position 874. The leucine at codon 292 is replaced by valine, an amino acid with highly similar properties. This amino acid position is conserved. In addition, the in silico prediction for this alteration is inconclusive. Based on the available evidence, the clinical significance of this variant remains unclear.

NM_003579.4(RAD54L):c.874C>G (p.Leu292Val)

Gene: RAD54L (RAD54 like; plus strand). Cytogenetic location: 1p34.1.
Variant type: single nucleotide variant.
Coding change: c.874C>G on transcript NM_003579.4 (MANE Select); coding-DNA position 874, C replaced by G.
Protein change: p.Leu292Val; replaces leucine 292 with valine.
Molecular consequence: missense variant.
Genome position (GRCh38, 1-based): chr1:46,261,368, C>G. VCF-style: chr1-46261368-C-G. GRCh37 (hg19) VCF-style: chr1-46727040-C-G.
Other names: c.874C>G, p.Leu292Val (NM_001142548.2); c.334C>G, p.Leu112Val (NM_001370766.1); short protein forms L112V, L292V.
Identifiers: ClinVar variation 3312494 (VCV003312494.1).